The following is an entry in ClinVar:

ClinVar aggregate classification (germline): Conflicting classifications of pathogenicity. Review status: criteria provided, conflicting classifications (1 of 4 stars). 2 submissions from 2 submitters: Likely pathogenic (1); Uncertain significance (1). Last evaluated 2025-05-13.

Conditions:
Autosomal dominant hypocalcemia 1 (HYPOC1). Also called: HYPOCALCEMIA, FAMILIAL. Identifiers: MedGen C3715128, MONDO:0011013, OMIM 601198.
Familial hypocalciuric hypercalcemia (FHH). Also called: Familial benign hypercalcemia. Identifiers: Orphanet 405, MedGen C1809471, MONDO:0018458.
Familial hypocalciuric hypercalcemia 1. Also called: Hypercalcemia, familial benign type 1. Identifiers: Orphanet 405, Orphanet 93372, MedGen C0342637, MONDO:0007791, OMIM 145980.

Submissions (2):

Labcorp Genetics (formerly Invitae), Labcorp
Classification: Uncertain significance for Familial hypocalciuric hypercalcemia; Autosomal dominant hypocalcemia 1. Last evaluated: 2025-05-13. Review status: criteria provided, single submitter. Criteria: Invitae Variant Classification Sherloc (09022015). Collection method: clinical testing. Allele origin: germline.
Comment: This sequence change replaces cysteine, which is neutral and slightly polar, with tyrosine, which is neutral and polar, at codon 585 of the CASR protein (p.Cys585Tyr). This variant is not present in population databases (gnomAD no frequency). This variant has not been reported in the literature in individuals affected with CASR-related conditions. An algorithm developed to predict the effect of missense changes on protein structure and function (PolyPhen-2) suggests that this variant is likely to be disruptive. In summary, the available evidence is currently insufficient to determine the role of this variant in disease. Therefore, it has been classified as a Variant of Uncertain Significance.

Clinical Biomedical Laboratory, Shriners Hospital For Children - Canada
Classification: Likely pathogenic for Familial hypocalciuric hypercalcemia 1. Review status: criteria provided, single submitter. Criteria: ACMG Guidelines, 2015. Collection method: clinical testing. Allele origin: germline. Affected: yes.
Comment: This variant is predicted to substitute a cysteine by a tyrosine residue in CASR. This variant is absent in the Genome Aggregation Database (gnomAD v2.1.1), indicating it is very rare. Computational tools (REVEL: 0.90) suggest that the amino acid change is deleterious to protein function. Based on the ACMG variant interpretation guidelines (criteria: PM2, PP2, PP3, PP4), the available evidence supports classification of this variant as likely pathogenic.

NM_000388.4(CASR):c.1754G>A (p.Cys585Tyr)

Gene: CASR (calcium sensing receptor; plus strand). Cytogenetic location: 3q21.1.
Variant type: single nucleotide variant.
Coding change: c.1754G>A on transcript NM_000388.4 (MANE Select); coding-DNA position 1754, G replaced by A.
Protein change: p.Cys585Tyr; replaces cysteine 585 with tyrosine.
Molecular consequence: missense variant.
Genome position (GRCh38, 1-based): chr3:122,283,708, G>A. VCF-style: chr3-122283708-G-A. GRCh37 (hg19) VCF-style: chr3-122002555-G-A.
Other names: c.1784G>A, p.Cys595Tyr (NM_001178065.2); short protein forms C585Y, C595Y.
Identifiers: ClinVar variation 4784989 (VCV004784989.2).